The following is an entry in ClinVar:

NM_002458.3(MUC5B):c.3519A>G (p.Ala1173=)

Gene: MUC5B (mucin 5B, oligomeric mucus/gel-forming; plus strand). Cytogenetic location: 11p15.5.
Variant type: single nucleotide variant.
Coding change: c.3519A>G on transcript NM_002458.3 (MANE Select); coding-DNA position 3519, A replaced by G.
Protein change: p.Ala1173=; no amino-acid change (alanine 1173 retained).
Molecular consequence: synonymous variant.
Genome position (GRCh38, 1-based): chr11:1,239,502, A>G. VCF-style: chr11-1239502-A-G. GRCh37 (hg19) VCF-style: chr11-1260732-A-G.
Identifiers: ClinVar variation 3353214 (VCV003353214.1).

ClinVar aggregate classification (germline): Likely benign (0 of 4 stars; one submission).

Conditions:
MUC5B-related disorder. Also called: MUC5B-related condition.

Submission:

PreventionGenetics, part of Exact Sciences
Classification: Likely benign for MUC5B-related condition. Last evaluated: 2024-08-31. Review status: no assertion criteria provided. Collection method: clinical testing. Allele origin: germline.
Comment: This variant is classified as likely benign based on ACMG/AMP sequence variant interpretation guidelines (Richards et al. 2015 PMID: 25741868, with internal and published modifications).